The following is an entry in ClinVar:

NM_014028.4(OSTM1):c.397G>C (p.Ala133Pro)

Gene: OSTM1 (osteoclastogenesis associated transmembrane protein 1; minus strand). Cytogenetic location: 6q21.
Variant type: single nucleotide variant.
Coding change: c.397G>C on transcript NM_014028.4 (MANE Select); coding-DNA position 397, G replaced by C.
Protein change: p.Ala133Pro; replaces alanine 133 with proline.
Molecular consequence: missense variant.
Genome position (GRCh38, 1-based): chr6:108,074,255, C>G on the plus strand (G>C on the coding strand, the complement: OSTM1 is on the minus strand). VCF-style: chr6-108074255-C-G. GRCh37 (hg19) VCF-style: chr6-108395459-C-G.
Other names: short protein forms A133P.
Identifiers: ClinVar variation 2767208 (VCV002767208.3), dbSNP rs199763043, ClinGen allele CA365330142.
Genomic context (GRCh38, chr6:108,074,255, plus strand): 5'-CTCCTCCTTTCCCAACTCTCCTGAGCCACAGTCCCGGACGTGGTCCTGTACCCACCCCCG[C>G]GGCTCGGCTGATGTTGTCCATCTTGCTGACGACCTGTTGGAAGAGGGGGTAGCAGGTCTG-3'
Protein context (NP_054747.2, residues 123-143): VSKMDNISRA[Ala133Pro]GNTSESQSCA

ClinVar aggregate classification (germline): Uncertain significance (1 of 4 stars; one submission).

Submission:

Labcorp Genetics (formerly Invitae), Labcorp
Classification: Uncertain significance. Last evaluated: 2024-01-12. Review status: criteria provided, single submitter. Criteria: Invitae Variant Classification Sherloc (09022015). Collection method: clinical testing. Allele origin: germline.
Comment: This sequence change replaces alanine, which is neutral and non-polar, with proline, which is neutral and non-polar, at codon 133 of the OSTM1 protein (p.Ala133Pro). This variant is not present in population databases (gnomAD no frequency). This variant has not been reported in the literature in individuals affected with OSTM1-related conditions. Advanced modeling of protein sequence and biophysical properties (such as structural, functional, and spatial information, amino acid conservation, physicochemical variation, residue mobility, and thermodynamic stability) performed at Invitae indicates that this missense variant is not expected to disrupt OSTM1 protein function with a negative predictive value of 80%. In summary, the available evidence is currently insufficient to determine the role of this variant in disease. Therefore, it has been classified as a Variant of Uncertain Significance.